The following is an entry in ClinVar:

NM_014946.4(SPAST):c.167C>T (p.Pro56Leu)

Gene: SPAST (spastin; plus strand). Cytogenetic location: 2p22.3.
Variant type: single nucleotide variant.
Coding change: c.167C>T on transcript NM_014946.4 (MANE Select); coding-DNA position 167, C replaced by T.
Protein change: p.Pro56Leu; replaces proline 56 with leucine.
Molecular consequence: missense variant.
Genome position (GRCh38, 1-based): chr2:32,063,998, C>T. VCF-style: chr2-32063998-C-T. GRCh37 (hg19) VCF-style: chr2-32289067-C-T.
Other names: c.167C>T, p.Pro56Leu (NM_001363823.2, NM_001363875.2, NM_001377959.1 and 1 more transcripts); short protein forms P56L.
Identifiers: ClinVar variation 1344055 (VCV001344055.7), dbSNP rs1676399509, ClinGen allele CA346601553.

ClinVar aggregate classification (germline): Uncertain significance. Review status: criteria provided, multiple submitters, no conflicts (2 of 4 stars). 2 submissions from 2 submitters: Uncertain significance (2). Last evaluated 2022-12-21.

Conditions:
Hereditary spastic paraplegia. Also called: Familial spastic paraparesis. Identifiers: Orphanet 685, MedGen C0037773, MONDO:0019064. Disease mechanism: loss of function.
Hereditary spastic paraplegia 4. Also called: Familial spastic paraplegia autosomal dominant 2; Spastic Paraplegia 4; Spastic paraplegia 4, autosomal dominant. Identifiers: Orphanet 100985, MedGen C1866855, MONDO:0008438, OMIM 182601.

Allele frequency attached by ClinVar (database versions not stated): TOPMed 0.00001.
gnomAD v4.1: 4 of 1,613,472 alleles (0.00025%); highest among the groups gnomAD compares: South Asian, 0.0022%; no homozygotes.

Submissions (2):

Labcorp Genetics (formerly Invitae), Labcorp
Classification: Uncertain significance for Hereditary spastic paraplegia 4. Last evaluated: 2022-12-21. Review status: criteria provided, single submitter. Criteria: Invitae Variant Classification Sherloc (09022015). Collection method: clinical testing. Allele origin: germline.
Comment: In summary, the available evidence is currently insufficient to determine the role of this variant in disease. Therefore, it has been classified as a Variant of Uncertain Significance. Advanced modeling of protein sequence and biophysical properties (such as structural, functional, and spatial information, amino acid conservation, physicochemical variation, residue mobility, and thermodynamic stability) performed at Invitae indicates that this missense variant is expected to disrupt SPAST protein function. ClinVar contains an entry for this variant (Variation ID: 1344055). This variant has not been reported in the literature in individuals affected with SPAST-related conditions. This variant is not present in population databases (gnomAD no frequency). This sequence change replaces proline, which is neutral and non-polar, with leucine, which is neutral and non-polar, at codon 56 of the SPAST protein (p.Pro56Leu).

Genome Diagnostics Laboratory, The Hospital for Sick Children
Classification: Uncertain significance for Hereditary spastic paraplegia. Last evaluated: 2019-01-28. Review status: criteria provided, single submitter. Criteria: ACMG Guidelines, 2015. Collection method: clinical testing. Allele origin: germline. Affected: yes.